The following is an entry in ClinVar:

NM_000540.3(RYR1):c.271-3C>T

Gene: RYR1 (ryanodine receptor 1; plus strand). Cytogenetic location: 19q13.2.
Variant type: single nucleotide variant.
Coding change: c.271-3C>T on transcript NM_000540.3 (MANE Select); 3 bases into the intron before coding-DNA position 271, C replaced by T.
Molecular consequence: intron variant.
Genome position (GRCh38, 1-based): chr19:38,443,555, C>T. VCF-style: chr19-38443555-C-T. GRCh37 (hg19) VCF-style: chr19-38934195-C-T.
Other names: c.271-3C>T (NM_001042723.2).
Identifiers: ClinVar variation 3074856 (VCV003074856.1), dbSNP rs756262826, ClinGen allele CA063886.

ClinVar aggregate classification (germline): Likely benign (1 of 4 stars; one submission).

Conditions:
Malignant hyperthermia, susceptibility to, 1 (MHS1). Also called: Anesthesia related hyperthermia; Malignant hyperpyrexia; Fulminating hyperpyrexia; Pharmacogenic myopathy; RYR1-Related Malignant Hyperthermia Susceptibility; Malignant hyperthermia suceptibility 1. Identifiers: Orphanet 423, MedGen C2930980, MONDO:0007783, OMIM 145600.

Allele frequency attached by ClinVar (database versions not stated): gnomAD exomes 0.00002; ExAC 0.00008; gnomAD 0.00001.
gnomAD v4.1: 33 of 1,613,344 alleles (0.002%); highest among the groups gnomAD compares: South Asian, 0.036%; no homozygotes.

Submission:

All of Us Research Program, National Institutes of Health
Classification: Likely benign for Malignant hyperthermia, susceptibility to, 1. Last evaluated: 2023-12-13. Review status: criteria provided, single submitter. Criteria: ACMG Guidelines, 2015. Collection method: clinical testing. Allele origin: germline. Inheritance: Autosomal dominant inheritance. Observed: 1 variant allele, 1 heterozygote.
Comment: This study involves interpretation of variants in research participants for the purpose of population health screening. Participant phenotype was not available at the time of variant classification. Additional details can be found in publication PMID: 35346344, PMCID: PMC8962531